The following is an entry in ClinVar:

ClinVar aggregate classification (germline): Benign/Likely benign. Review status: criteria provided, multiple submitters, no conflicts (2 of 4 stars). 9 submissions from 9 submitters: Benign (8); Likely benign (1). Last evaluated 2026-02-03.

Conditions:
Cardiomyopathy (CMYO). Also called: Cardiomyopathies. Identifiers: Orphanet 167848, MedGen C0878544, MONDO:0004994, HP:0001638. Inheritance: Various modes of inheritance.
Catecholaminergic polymorphic ventricular tachycardia 1. Also called: VENTRICULAR TACHYCARDIA, CATECHOLAMINERGIC POLYMORPHIC, 1, WITH OR WITHOUT ATRIAL DYSFUNCTION AND/OR DILATED CARDIOMYOPATHY; VENTRICULAR TACHYCARDIA, STRESS-INDUCED POLYMORPHIC 1; RYR2-Related Catecholaminergic Polymorphic Ventricular Tachycardia. Identifiers: Orphanet 3286, MedGen C1631597, MONDO:0011484, OMIM 604772.
Catecholaminergic polymorphic ventricular tachycardia (CVPT). Also called: Catecholamine-induced polymorphic ventricular tachycardia. Identifiers: Orphanet 3286, MedGen C5574922, MONDO:0017990.

Allele frequency attached by ClinVar (database versions not stated): gnomAD exomes 0.00026 and 0.00074; ExAC 0.00145; 1000 Genomes Project 0.00200; 1000 Genomes Project 30x 0.00203; gnomAD 0.00265 and 0.00281; TOPMed 0.00314; ESP Exome Variant Server 0.00334.
gnomAD v4.1: 785 of 1,567,924 alleles (0.05%); highest among the groups gnomAD compares: African/African-American, 0.94%; 4 homozygotes.

Submissions (9):

Labcorp Genetics (formerly Invitae), Labcorp
Classification: Benign for Catecholaminergic polymorphic ventricular tachycardia 1. Last evaluated: 2026-02-03. Review status: criteria provided, single submitter. Criteria: Invitae Variant Classification Sherloc (09022015). Collection method: clinical testing. Allele origin: germline.

ARUP Laboratories, Molecular Genetics and Genomics, ARUP Laboratories
Classification: Benign. Last evaluated: 2025-05-15. Review status: criteria provided, single submitter. Criteria: ARUP Molecular Germline Variant Investigation Process 2024. Collection method: clinical testing. Allele origin: germline.

Molecular Diagnostic Laboratory for Inherited Cardiovascular Disease, Montreal Heart Institute
Classification: Benign. Last evaluated: 2025-04-09. Review status: criteria provided, single submitter. Criteria: ACMG Guidelines, 2015. Collection method: clinical testing. Allele origin: germline. Affected: no.

Blueprint Genetics
Classification: Likely benign. Last evaluated: 2024-10-09. Review status: criteria provided, single submitter. Criteria: ACMG Guidelines, 2015. Collection method: clinical testing. Allele origin: germline.

All of Us Research Program, National Institutes of Health
Classification: Benign for Catecholaminergic polymorphic ventricular tachycardia. Last evaluated: 2024-02-05. Review status: criteria provided, single submitter. Criteria: ACMG Guidelines, 2015. Collection method: clinical testing. Allele origin: germline. Inheritance: Autosomal dominant inheritance. Observed: 188 variant alleles, 186 heterozygotes, 2 homozygotes.
Comment: This study involves interpretation of variants in research participants for the purpose of population health screening. Participant phenotype was not available at the time of variant classification. Additional details can be found in publication PMID: 35346344, PMCID: PMC8962531

Color Diagnostics, LLC DBA Color Health
Classification: Benign for Cardiomyopathy. Last evaluated: 2018-11-27. Review status: criteria provided, single submitter. Criteria: ACMG Guidelines, 2015. Collection method: clinical testing. Allele origin: germline.

CHEO Genetics Diagnostic Laboratory, Children's Hospital of Eastern Ontario
Classification: Benign for Cardiomyopathy. Last evaluated: 2017-10-03. Review status: criteria provided, single submitter. Criteria: ACMG Guidelines, 2015. Collection method: clinical testing. Allele origin: germline. Study: Canadian Open Genetics Repository.

GeneDx
Classification: Benign. Last evaluated: 2012-05-08. Review status: criteria provided, single submitter. Criteria: GeneDx Variant Classification (06012015). Collection method: clinical testing. Allele origin: germline. Affected: yes.
Comment: This variant is considered likely benign or benign based on one or more of the following criteria: it is a conservative change, it occurs at a poorly conserved position in the protein, it is predicted to be benign by multiple in silico algorithms, and/or has population frequency not consistent with disease.

Laboratory for Molecular Medicine, Mass General Brigham Personalized Medicine
Classification: Benign. Last evaluated: 2012-02-09. Review status: criteria provided, single submitter. Criteria: LMM Criteria. Collection method: clinical testing. Allele origin: germline. Observed: 7 variant alleles.
Comment: A=32/G=3030 (1% AA chr; NHLBI/ESP)

NM_001035.3(RYR2):c.9867G>A (p.Gly3289=)

Gene: RYR2 (ryanodine receptor 2; plus strand). Cytogenetic location: 1q43.
Variant type: single nucleotide variant.
Coding change: c.9867G>A on transcript NM_001035.3 (MANE Select); coding-DNA position 9867, G replaced by A.
Protein change: p.Gly3289=; no amino-acid change (glycine 3289 retained).
Molecular consequence: synonymous variant.
Genome position (GRCh38, 1-based): chr1:237,707,235, G>A. VCF-style: chr1-237707235-G-A. GRCh37 (hg19) VCF-style: chr1-237870535-G-A.
Other names: p.G3289G:GGG>GGA.
Identifiers: ClinVar variation 43841 (VCV000043841.28), dbSNP rs190537182, ClinGen allele CA011344.